The following is an entry in ClinVar:

ClinVar aggregate classification (germline): Uncertain significance. Review status: criteria provided, multiple submitters, no conflicts (2 of 4 stars). 2 submissions from 2 submitters: Uncertain significance (2). Last evaluated 2025-07-02.

Conditions:
Cardiovascular phenotype. Identifiers: MedGen CN230736.
Long QT syndrome (LQTS). Identifiers: MedGen C0023976, MeSH D008133, MONDO:0002442. Disease mechanism: loss of function. Inheritance: Various modes of inheritance.

Allele frequency attached by ClinVar (database versions not stated): gnomAD 0.00001; TOPMed 0.00002.
gnomAD v4.1: 1 of 1,608,514 alleles (0.000062%); highest among the groups gnomAD compares: African/African-American, 0.0013%; no homozygotes.

Submissions (2):

Labcorp Genetics (formerly Invitae), Labcorp
Classification: Uncertain significance for Long QT syndrome. Last evaluated: 2025-07-02. Review status: criteria provided, single submitter. Criteria: Invitae Variant Classification Sherloc (09022015). Collection method: clinical testing. Allele origin: germline.
Comment: This sequence change falls in intron 37 of the AKAP9 gene. It does not directly change the encoded amino acid sequence of the AKAP9 protein. It affects a nucleotide within the consensus splice site. This variant is not present in population databases (gnomAD no frequency). This variant has not been reported in the literature in individuals affected with AKAP9-related conditions. ClinVar contains an entry for this variant (Variation ID: 2449737). Variants that disrupt the consensus splice site are a relatively common cause of aberrant splicing (PMID: 17576681, 9536098). Algorithms developed to predict the effect of sequence changes on RNA splicing suggest that this variant may disrupt the consensus splice site. In summary, the available evidence is currently insufficient to determine the role of this variant in disease. Therefore, it has been classified as a Variant of Uncertain Significance.

Ambry Genetics
Classification: Uncertain significance for Cardiovascular phenotype. Last evaluated: 2025-02-12. Review status: criteria provided, single submitter. Criteria: Ambry Variant Classification Scheme 2023. Collection method: clinical testing. Allele origin: germline.
Comment: The c.9213+3A>G intronic variant results from an A to G substitution 3 nucleotides after coding exon 37 in the AKAP9 gene. This nucleotide position is highly conserved in available vertebrate species. In silico splice site analysis predicts that this alteration may weaken the native splice donor site. The evidence for this gene-disease relationship is limited; therefore, the clinical significance of this alteration is unclear.

Literature cited by the submitters: PubMed 17576681 (cited by Labcorp Genetics (formerly Invitae), Labcorp); PubMed 9536098 (cited by Labcorp Genetics (formerly Invitae), Labcorp).

NM_005751.5(AKAP9):c.9213+3A>G

Gene: AKAP9 (A-kinase anchoring protein 9; plus strand). Cytogenetic location: 7q21.2.
Variant type: single nucleotide variant.
Coding change: c.9213+3A>G on transcript NM_005751.5 (MANE Select); 3 bases into the intron after coding-DNA position 9213, A replaced by G.
Molecular consequence: intron variant.
Genome position (GRCh38, 1-based): chr7:92,086,419, A>G. VCF-style: chr7-92086419-A-G. GRCh37 (hg19) VCF-style: chr7-91715733-A-G.
Other names: c.9189+3A>G (NM_147185.3); c.3858+3A>G (NM_001379277.1).
Identifiers: ClinVar variation 2449737 (VCV002449737.4), dbSNP rs969130822, ClinGen allele CA161888974.